The following is an entry in ClinVar:

NM_000263.4(NAGLU):c.381C>G (p.Asn127Lys)

Gene: NAGLU (N-acetyl-alpha-glucosaminidase; plus strand). Cytogenetic location: 17q21.2.
Variant type: single nucleotide variant.
Coding change: c.381C>G on transcript NM_000263.4 (MANE Select); coding-DNA position 381, C replaced by G.
Protein change: p.Asn127Lys; replaces asparagine 127 with lysine.
Molecular consequence: missense variant.
Genome position (GRCh38, 1-based): chr17:42,536,653, C>G. VCF-style: chr17-42536653-C-G. GRCh37 (hg19) VCF-style: chr17-40688671-C-G.
Other names: p.Asn127Lys; short protein forms N127K.
Identifiers: ClinVar variation 1710486 (VCV001710486.3), dbSNP rs965226394, ClinGen allele CA290771445.

ClinVar aggregate classification (germline): Likely pathogenic (1 of 4 stars; one submission).

Conditions:
Mucopolysaccharidosis, MPS-III-B (MPS3B). Also called: MUCOPOLYSACCHARIDOSIS, TYPE IIIB; Mucopolysaccharidosis type IIIB (Sanfilippo B); N-ACETYL-ALPHA-D-GLUCOSAMINIDASE DEFICIENCY; NAGLU DEFICIENCY; SANFILIPPO SYNDROME B; MPS III B. Identifiers: Orphanet 79270, MedGen C0086648, MONDO:0009656, OMIM 252920.

Allele frequency attached by ClinVar (database versions not stated): TOPMed below 0.00001.
gnomAD v4.1: 1 of 1,499,988 alleles (0.000067%); highest among the groups gnomAD compares: African/African-American, 0.0014%; no homozygotes.

Submission:

Foundation for Research in Genetics and Endocrinology, FRIGE's Institute of Human Genetics
Classification: Likely pathogenic for Mucopolysaccharidosis, MPS-III-B. Review status: criteria provided, single submitter. Criteria: ACMG Guidelines, 2015. Collection method: clinical testing. Allele origin: germline. Inheritance: Autosomal recessive inheritance. Affected: yes.
Comment: A homozygous missense variation in exon 1 of the gene NAGLU that results in the amino acid substitution of Lysine for Asparagine at codon 127 was detected. The observed variant c.381C>G (p.Asn127Lys) has not been reported in the 1000 genomes and gnomAD databases . The in silico prediction of the variant are possibly damaging by Mutation Taster,DANN, LRT and SIFT. The reference codon is conserved across species. Therefore, the variant meets our criteria to be classified as pathogenic based on absence from controls and in silico prediction models.